The following is an entry in ClinVar:

ClinVar aggregate classification (germline): Uncertain significance (1 of 4 stars; one submission).

Conditions:
Juvenile polyposis syndrome (JPS). Identifiers: Orphanet 2929, MedGen C0345893, MONDO:0017380, OMIM 174900.

Submission:

Labcorp Genetics (formerly Invitae), Labcorp
Classification: Uncertain significance for Juvenile polyposis syndrome. Last evaluated: 2021-05-18. Review status: criteria provided, single submitter. Criteria: Invitae Variant Classification Sherloc (09022015). Collection method: clinical testing. Allele origin: germline.
Comment: In summary, the available evidence is currently insufficient to determine the role of this variant in disease. Therefore, it has been classified as a Variant of Uncertain Significance. Advanced modeling of protein sequence and biophysical properties (such as structural, functional, and spatial information, amino acid conservation, physicochemical variation, residue mobility, and thermodynamic stability) performed at Invitae indicates that this missense variant is expected to disrupt SMAD4 protein function. This variant has not been reported in the literature in individuals with SMAD4-related conditions. This variant is not present in population databases (ExAC no frequency). This sequence change replaces arginine with leucine at codon 135 of the SMAD4 protein (p.Arg135Leu). The arginine residue is highly conserved and there is a moderate physicochemical difference between arginine and leucine.

NM_005359.6(SMAD4):c.404G>T (p.Arg135Leu)

Gene: SMAD4 (SMAD family member 4; plus strand). Cytogenetic location: 18q21.2.
Variant type: single nucleotide variant.
Coding change: c.404G>T on transcript NM_005359.6 (MANE Select); coding-DNA position 404, G replaced by T.
Protein change: p.Arg135Leu; replaces arginine 135 with leucine.
Molecular consequence: missense variant.
Genome position (GRCh38, 1-based): chr18:51,048,840, G>T. VCF-style: chr18-51048840-G-T. GRCh37 (hg19) VCF-style: chr18-48575210-G-T.
Other names: short protein forms R135L.
Identifiers: ClinVar variation 1380113 (VCV001380113.8), dbSNP rs2144406204, ClinGen allele CA402458796.